The following is an entry in ClinVar:

NM_206933.4(USH2A):c.13811+1del

Gene: USH2A (usherin; minus strand). Cytogenetic location: 1q41.
Variant type: Deletion.
Coding change: c.13811+1del on transcript NM_206933.4 (MANE Select); the canonical splice donor site of the intron after coding-DNA position 13811, one base deleted (G; older notation c.13811+1delG).
Molecular consequence: splice donor variant.
Genome position (GRCh38, 1-based): chr1:215,674,099, C deleted on the plus strand (G on the coding strand, the reverse complement: USH2A is on the minus strand); the first of 2 consecutive C bases (chr1:215,674,099-215,674,100); deleting either gives the same sequence. VCF-style (leftmost placement, unchanged base first): chr1-215674098-AC-A. GRCh37 (hg19) VCF-style: chr1-215847440-AC-A.
Identifiers: ClinVar variation 4817096 (VCV004817096.1).

ClinVar aggregate classification (germline): Pathogenic (1 of 4 stars; one submission).

Conditions:
Usher syndrome type 2A. Also called: RETINAL DISEASE IN USHER SYNDROME TYPE IIA, MODIFIER OF; USHER SYNDROME, TYPE IIA. Identifiers: Orphanet 231178, Orphanet 886, MedGen C1848634, MONDO:0010169, OMIM 276901.

Submission:

Natera, Inc.
Classification: Pathogenic for Usher syndrome type 2A. Last evaluated: 2025-12-03. Review status: criteria provided, single submitter. Criteria: Natera Variant Classification Schema (03/2026). Collection method: clinical testing. Allele origin: germline.
Comment: The c.13811+1delG variant in USH2A is a canonical splice donor site variant predicted to affect pre-mRNA splicing, which may result in an abnormal transcript and altered protein product. This variant is expected to result in nonsense mediated decay, truncation, or a dysfunctional protein product. This variant is rare in the general population with a frequency below the threshold expected for the associated phenotype(s). This variant has been observed in one or more individuals affected with the associated recessive disease, as either homozygous or compound heterozygous with a second variant (PMID: 32675063, 32188678). Given the available evidence, this variant is classified as Pathogenic.

Literature cited by the submitters: PubMed 32675063; PubMed 32188678.